The following is an entry in ClinVar:

ClinVar aggregate classification (germline): Conflicting classifications of pathogenicity. Review status: criteria provided, conflicting classifications (1 of 4 stars). 3 submissions from 3 submitters: Likely pathogenic (1); Uncertain significance (2). Last evaluated 2025-09-29.

Conditions:
Intellectual disability, autosomal dominant 16 (CSS4). Also called: COFFIN-SIRIS SYNDROME 4. Identifiers: Orphanet 1465, MedGen C3553249, MONDO:0013821, OMIM 614609.
Hereditary cancer-predisposing syndrome. Also called: Hereditary Cancer Syndrome; Tumor predisposition; Neoplastic Syndromes, Hereditary; Hereditary neoplastic syndrome. Identifiers: Orphanet 140162, MedGen C0027672, MeSH D009386, MONDO:0015356.
Rhabdoid tumor predisposition syndrome 2 (RTPS2). Identifiers: Orphanet 231108, Orphanet 69077, MedGen C2750074, MONDO:0013224, OMIM 613325.

Submissions (3):

3billion
Classification: Uncertain significance for Intellectual disability, autosomal dominant 16. Last evaluated: 2025-09-29. Review status: criteria provided, single submitter. Criteria: ACMG Guidelines, 2015. Collection method: clinical testing. Allele origin: germline. Affected: yes.
Comment: The variant is not observed in the gnomAD v4.1.0 dataset. Predicted Consequence/Location: Missense variant In silico tool predictions suggest damaging effect of the variant on gene or gene product [REVEL: 0.93 (>=0.6, sensitivity 0.68 and specificity 0.92); 3Cnet: 0.99 (> 0.75, sensitivity 0.96 and precision 0.92)]. The same nucleotide change resulting in the same amino acid change has been previously reported to be associated with SMARCA4-related disorder (ClinVar ID: VCV001002498). However, the evidence of pathogenicity is insufficient at this time. Therefore, this variant is classified as VUS according to the recommendation of ACMG/AMP guideline.

Ambry Genetics
Classification: Likely pathogenic for Hereditary cancer-predisposing syndrome. Last evaluated: 2024-09-19. Review status: criteria provided, single submitter. Criteria: Ambry Variant Classification Scheme 2023. Collection method: clinical testing. Allele origin: germline.
Comment: The c.2441C>T (p.T814M) alteration is located in exon 17 (coding exon 16) of the SMARCA4 gene. This alteration results from a C to T substitution at nucleotide position 2441, causing the threonine (T) at amino acid position 814 to be replaced by a methionine (M). Based on the supporting evidence, this alteration is likely pathogenic for Coffin-Siris syndrome; however, the association of this alteration with rhabdoid tumor predisposition syndrome is unlikely. BP1 weight macro (per macro instructions, to go right in front of RD summary): Missense and in-frame variants in SMARCA4 are known to cause neurodevelopmental disorders; however, such associations with rhabdoid tumor predisposition syndrome including small cell carcinoma of the ovary-hypercalcemic type are exceedingly rare (Kosho, 2014; Jelinic, 2014). This variant was not reported in population-based cohorts in the Genome Aggregation Database (gnomAD). This amino acid position is highly conserved in available vertebrate species. This missense alteration is located in a region that has a low rate of benign missense variation (Lek, 2016; Firth, 2009). This alteration is predicted to be deleterious by in silico analysis. Based on the available evidence, this alteration is classified as likely pathogenic.

Labcorp Genetics (formerly Invitae), Labcorp
Classification: Uncertain significance for Rhabdoid tumor predisposition syndrome 2. Last evaluated: 2020-06-28. Review status: criteria provided, single submitter. Criteria: Invitae Variant Classification Sherloc (09022015). Collection method: clinical testing. Allele origin: germline.
Comment: In summary, the available evidence is currently insufficient to determine the role of this variant in disease. Therefore, it has been classified as a Variant of Uncertain Significance. Algorithms developed to predict the effect of missense changes on protein structure and function (SIFT, PolyPhen-2, Align-GVGD) all suggest that this variant is likely to be disruptive, but these predictions have not been confirmed by published functional studies and their clinical significance is uncertain. This variant has not been reported in the literature in individuals with SMARCA4-related conditions. This variant is not present in population databases (ExAC no frequency). This sequence change replaces threonine with methionine at codon 814 of the SMARCA4 protein (p.Thr814Met). The threonine residue is highly conserved and there is a moderate physicochemical difference between threonine and methionine.

Literature cited by the submitters: PubMed 24658004 (cited by Ambry Genetics); PubMed 25168959 (cited by Ambry Genetics).

NM_003072.5(SMARCA4):c.2441C>T (p.Thr814Met)

Gene: SMARCA4 (SWI/SNF related BAF chromatin remodeling complex subunit ATPase 4; plus strand). Cytogenetic location: 19p13.2.
Variant type: single nucleotide variant.
Coding change: c.2441C>T on transcript NM_003072.5 (MANE Select); coding-DNA position 2441, C replaced by T.
Protein change: p.Thr814Met; replaces threonine 814 with methionine.
Molecular consequence: missense variant. On other transcripts: non-coding transcript variant (1).
Genome position (GRCh38, 1-based): chr19:11,018,959, C>T. VCF-style: chr19-11018959-C-T. GRCh37 (hg19) VCF-style: chr19-11129635-C-T.
Other names: c.2441C>T, p.Thr814Met (NM_001128844.3, NM_001128845.2, NM_001128846.2 and 4 more transcripts); short protein forms T814M.
Identifiers: ClinVar variation 1002498 (VCV001002498.13), dbSNP rs2089620653, ClinGen allele CA404053431.